The following is an entry in ClinVar:

ClinVar aggregate classification (germline): Uncertain significance (1 of 4 stars; one submission).

Allele frequency attached by ClinVar (database versions not stated): gnomAD 0.00001; gnomAD exomes 0.00001; ExAC 0.00002.
gnomAD v4.1: 18 of 1,609,800 alleles (0.0011%); highest among the groups gnomAD compares: South Asian, 0.0022%; no homozygotes.

Submissions (2):

Labcorp Genetics (formerly Invitae), Labcorp
Classification: Uncertain significance. Last evaluated: 2026-01-27. Review status: criteria provided, single submitter. Criteria: Invitae Variant Classification Sherloc (09022015). Collection method: clinical testing. Allele origin: germline.
Comment: This sequence change replaces glycine, which is neutral and non-polar, with arginine, which is basic and polar, at codon 510 of the TNFRSF11A protein (p.Gly510Arg). This variant is present in population databases (rs747510807, gnomAD 0.006%). This variant has not been reported in the literature in individuals affected with TNFRSF11A-related conditions. ClinVar contains an entry for this variant (Variation ID: 2055139). An algorithm developed to predict the effect of missense changes on protein structure and function (PolyPhen-2) suggests that this variant is likely to be disruptive. In summary, the available evidence is currently insufficient to determine the role of this variant in disease. Therefore, it has been classified as a Variant of Uncertain Significance.

Dr. Peter K. Rogan Lab, Western University
No classification provided (evidence only). Condition: Malignant tumor of esophagus. Review status: no classification provided. Collection method: in vitro. Allele origin: not applicable. Functional consequence: skipped exon, retained intron. Not counted in ClinVar's aggregate classification.

NM_003839.4(TNFRSF11A):c.1528G>A (p.Gly510Arg)

Gene: TNFRSF11A (TNF receptor superfamily member 11a; plus strand). Cytogenetic location: 18q21.33.
Variant type: single nucleotide variant.
Coding change: c.1528G>A on transcript NM_003839.4 (MANE Select); coding-DNA position 1528, G replaced by A.
Protein change: p.Gly510Arg; replaces glycine 510 with arginine.
Molecular consequence: missense variant. On other transcripts: intron variant (3).
Genome position (GRCh38, 1-based): chr18:62,369,445, G>A. VCF-style: chr18-62369445-G-A. GRCh37 (hg19) VCF-style: chr18-60036678-G-A.
Other names: c.1486G>A, p.Gly496Arg (NM_001278268.2); c.783+2685G>A (NM_001270949.2); c.730+7652G>A (NM_001270950.2); c.616+9396G>A (NM_001270951.2); short protein forms G496R, G510R.
Identifiers: ClinVar variation 2055139 (VCV002055139.5), dbSNP rs747510807, ClinGen allele CA8983981.